The following is an entry in ClinVar:

NC_000003.11:g.(?_180397059)_(180397168_?)dup

Gene: CCDC39 (coiled-coil domain 39 molecular ruler complex subunit; minus strand). Cytogenetic location: 3q26.33.
Variant type: Duplication.
Identifiers: ClinVar variation 1448985 (VCV001448985.11).

ClinVar aggregate classification (germline): Uncertain significance (1 of 4 stars; one submission).

Conditions:
Primary ciliary dyskinesia. Also called: Ciliary dyskinesia. Identifiers: Orphanet 244, MedGen C0008780, MONDO:0016575, HP:0012265.

Submission:

Labcorp Genetics (formerly Invitae), Labcorp
Classification: Uncertain significance for Primary ciliary dyskinesia. Last evaluated: 2021-03-29. Review status: criteria provided, single submitter. Criteria: Invitae Variant Classification Sherloc (09022015). Collection method: clinical testing. Allele origin: germline.
Comment: This variant results in a copy number gain of the genomic region encompassing exon(s) 1 of the CCDC39 gene. This region includes the initiator codon of the gene. The 5' end of this event is unknown as it extends beyond the assayed region for this gene and therefore may encompass additional genes. The 3' boundary is likely confined to intron 1 of the CCDC39 gene. As the precise location of this event is unknown, it may be in tandem or it may be located elsewhere in the genome. This variant has not been reported in the literature in individuals with CCDC39-related conditions. In summary, the available evidence is currently insufficient to determine the role of this variant in disease. Therefore, it has been classified as a Variant of Uncertain Significance.